The following is an entry in ClinVar:

ClinVar aggregate classification (germline): Uncertain significance. Review status: criteria provided, multiple submitters, no conflicts (2 of 4 stars). 2 submissions from 2 submitters: Uncertain significance (2). Last evaluated 2024-11-19.

Allele frequency attached by ClinVar (database versions not stated): ExAC 0.00003; gnomAD 0.00005; ESP Exome Variant Server 0.00015.
gnomAD v4.1: 110 of 1,613,964 alleles (0.0068%); highest among the groups gnomAD compares: Non-Finnish European, 0.0089%; no homozygotes.

Submissions (2):

Mayo Clinic Laboratories, Mayo Clinic
Classification: Uncertain significance. Last evaluated: 2024-11-19. Review status: criteria provided, single submitter. Criteria: ACMG Guidelines, 2015. Collection method: clinical testing. Allele origin: germline. Observed: 1 variant allele.
Comment: BP4, PM2_supporting

Labcorp Genetics (formerly Invitae), Labcorp
Classification: Uncertain significance. Last evaluated: 2023-08-04. Review status: criteria provided, single submitter. Criteria: Invitae Variant Classification Sherloc (09022015). Collection method: clinical testing. Allele origin: germline.
Comment: In summary, the available evidence is currently insufficient to determine the role of this variant in disease. Therefore, it has been classified as a Variant of Uncertain Significance. Advanced modeling of protein sequence and biophysical properties (such as structural, functional, and spatial information, amino acid conservation, physicochemical variation, residue mobility, and thermodynamic stability) performed at Invitae indicates that this missense variant is not expected to disrupt VPS13D protein function. ClinVar contains an entry for this variant (Variation ID: 2156599). This variant has not been reported in the literature in individuals affected with VPS13D-related conditions. This variant is present in population databases (rs149109225, gnomAD 0.009%). This sequence change replaces alanine, which is neutral and non-polar, with threonine, which is neutral and polar, at codon 1843 of the VPS13D protein (p.Ala1843Thr).

NM_015378.4(VPS13D):c.5527G>A (p.Ala1843Thr)

Gene: VPS13D (vacuolar protein sorting 13 homolog D; plus strand). Cytogenetic location: 1p36.22.
Variant type: single nucleotide variant.
Coding change: c.5527G>A on transcript NM_015378.4 (MANE Select); coding-DNA position 5527, G replaced by A.
Protein change: p.Ala1843Thr; replaces alanine 1843 with threonine.
Molecular consequence: missense variant.
Genome position (GRCh38, 1-based): chr1:12,283,629, G>A. VCF-style: chr1-12283629-G-A. GRCh37 (hg19) VCF-style: chr1-12343686-G-A.
Other names: p.Ala1843Thr; c.5527G>A, p.Ala1843Thr (NM_018156.4); short protein forms A1843T.
Identifiers: ClinVar variation 2156599 (VCV002156599.5), dbSNP rs149109225, ClinGen allele CA602326.